The following is an entry in ClinVar:

NM_002834.5(PTPN11):c.1483C>A (p.Gln495Lys)

Gene: PTPN11 (protein tyrosine phosphatase non-receptor type 11; plus strand). Cytogenetic location: 12q24.13.
Variant type: single nucleotide variant.
Coding change: c.1483C>A on transcript NM_002834.5 (MANE Select); coding-DNA position 1483, C replaced by A.
Protein change: p.Gln495Lys; replaces glutamine 495 with lysine.
Molecular consequence: missense variant.
Genome position (GRCh38, 1-based): chr12:112,489,059, C>A. VCF-style: chr12-112489059-C-A. GRCh37 (hg19) VCF-style: chr12-112926863-C-A.
Other names: c.1495C>A, p.Gln499Lys (NM_001330437.2); c.1480C>A, p.Gln494Lys (NM_001374625.1); short protein forms Q494K, Q495K, Q499K.
Identifiers: ClinVar variation 1693343 (VCV001693343.3), dbSNP rs756104635, ClinGen allele CA386779769.

ClinVar aggregate classification (germline): Uncertain significance. Review status: criteria provided, multiple submitters, no conflicts (2 of 4 stars). 2 submissions from 2 submitters: Uncertain significance (2). Last evaluated 2025-11-04.

Conditions:
Cardiovascular phenotype. Identifiers: MedGen CN230736.

Submissions (2):

Ambry Genetics
Classification: Uncertain significance for Cardiovascular phenotype. Last evaluated: 2025-11-04. Review status: criteria provided, single submitter. Criteria: Ambry Variant Classification Scheme 2023. Collection method: clinical testing. Allele origin: germline.
Comment: The p.Q495K variant (also known as c.1483C>A), located in coding exon 13 of the PTPN11 gene, results from a C to A substitution at nucleotide position 1483. The glutamine at codon 495 is replaced by lysine, an amino acid with similar properties. This amino acid position is conserved. In addition, the in silico prediction for this alteration is inconclusive. Based on the available evidence, the clinical significance of this variant remains unclear.

GeneDx
Classification: Uncertain significance. Last evaluated: 2021-09-20. Review status: criteria provided, single submitter. Criteria: GeneDx Variant Classification Process June 2021. Collection method: clinical testing. Allele origin: germline. Affected: yes.
Comment: Not observed at significant frequency in large population cohorts (gnomAD); Missense variants in this gene are often considered pathogenic (HGMD); In silico analysis supports that this missense variant has a deleterious effect on protein structure/function; Has not been previously published as pathogenic or benign to our knowledge; This variant is associated with the following publications: (PMID: 29493581)